The following is an entry in ClinVar:

NM_031443.4(CCM2):c.745+2T>C

Gene: CCM2 (CCM2 scaffold protein; plus strand). Cytogenetic location: 7p13.
Variant type: single nucleotide variant.
Coding change: c.745+2T>C on transcript NM_031443.4 (MANE Select); the canonical splice donor site of the intron after coding-DNA position 745, T replaced by C.
Molecular consequence: splice donor variant. On other transcripts: intron variant (1).
Genome position (GRCh38, 1-based): chr7:45,069,963, T>C. VCF-style: chr7-45069963-T-C. GRCh37 (hg19) VCF-style: chr7-45109562-T-C.
Other names: c.571+2T>C (NM_001167934.2, NM_001363459.2); c.808+2T>C (NM_001029835.2); c.745+2T>C (NM_001363458.2); c.473-2763T>C (NM_001167935.2).
Identifiers: ClinVar variation 963406 (VCV000963406.10), dbSNP rs1798979994, ClinGen allele CA367430786.
Genomic context (GRCh38, chr7:45,069,963, plus strand): 5'-GGACAGAGCGATATTTGATGGGGCCTCTACCCCGACCCACCACCTGTCCCTGCACAGCGG[T>C]ATGTTGAGTGAGAGTGGGCAGCGGGTGGGAGCAGGGACAGGAGGGGCTACTGCAGTGGCC-3'

ClinVar aggregate classification (germline): Pathogenic (1 of 4 stars; one submission).

Conditions:
Cerebral cavernous malformation 2. Also called: Familial Cerebral Cavernous Malformation 2. Identifiers: Orphanet 221061, MedGen C1864041, MONDO:0011304, OMIM 603284.

Submission:

Labcorp Genetics (formerly Invitae), Labcorp
Classification: Pathogenic for Cerebral cavernous malformation 2. Last evaluated: 2019-07-29. Review status: criteria provided, single submitter. Criteria: Invitae Variant Classification Sherloc (09022015). Collection method: clinical testing. Allele origin: germline.
Comment: This sequence change affects a donor splice site in intron 6 of the CCM2 gene. It is expected to disrupt RNA splicing and likely results in an absent or disrupted protein product. For these reasons, this variant has been classified as Pathogenic. Donor and acceptor splice site variants typically lead to a loss of protein function (PMID: 16199547), and loss-of-function variants in CCM2 are known to be pathogenic (PMID: 2468908, 14624391, 17160895, 18300272). Algorithms developed to predict the effect of sequence changes on RNA splicing suggest that this variant may disrupt the consensus splice site, but this prediction has not been confirmed by published transcriptional studies. Disruption of this splice site has been observed in individuals affected with cerebral cavernous malformations (Invitae). This variant is not present in population databases (ExAC no frequency).

Literature cited by the submitters: PubMed 16199547; PubMed 2468908; PubMed 14624391; PubMed 17160895; PubMed 18300272.